The following is an entry in ClinVar:

ClinVar aggregate classification (germline): Likely pathogenic (1 of 4 stars; one submission).

Submission:

Labcorp Genetics (formerly Invitae), Labcorp
Classification: Likely pathogenic. Last evaluated: 2025-08-25. Review status: criteria provided, single submitter. Criteria: Invitae Variant Classification Sherloc (09022015). Collection method: clinical testing. Allele origin: germline.
Comment: This sequence change affects an acceptor splice site in intron 3 of the PHF21A gene. It is expected to disrupt RNA splicing. Variants that disrupt the donor or acceptor splice site typically lead to a loss of protein function (PMID: 16199547), and loss-of-function variants in PHF21A are known to be pathogenic (PMID: 30487643). This variant is not present in population databases (gnomAD no frequency). This variant has not been reported in the literature in individuals affected with PHF21A-related conditions. Algorithms developed to predict the effect of sequence changes on RNA splicing suggest that this variant may disrupt the consensus splice site. In summary, the currently available evidence indicates that the variant is pathogenic, but additional data are needed to prove that conclusively. Therefore, this variant has been classified as Likely Pathogenic.

Literature cited by the submitters: PubMed 16199547; PubMed 30487643.

NM_001352027.3(PHF21A):c.55-2A>G

Gene: PHF21A (PHD finger protein 21A; minus strand). Cytogenetic location: 11p11.2.
Variant type: single nucleotide variant.
Coding change: c.55-2A>G on transcript NM_001352027.3 (MANE Select); the canonical splice acceptor site of the intron before coding-DNA position 55, A replaced by G.
Molecular consequence: splice acceptor variant.
Genome position (GRCh38, 1-based): chr11:46,079,168, T>C on the plus strand (A>G on the coding strand, the complement: PHF21A is on the minus strand). VCF-style: chr11-46079168-T-C. GRCh37 (hg19) VCF-style: chr11-46100719-T-C.
Other names: c.55-2A>G (NM_001352030.3, NM_001441171.1, NM_001101802.3 and 12 more transcripts).
Identifiers: ClinVar variation 4726053 (VCV004726053.1).